The following is an entry in ClinVar:

ClinVar aggregate classification (germline): Uncertain significance. Review status: criteria provided, multiple submitters, no conflicts (2 of 4 stars). 2 submissions from 2 submitters: Uncertain significance (2). Last evaluated 2024-07-03.

Allele frequency attached by ClinVar (database versions not stated): gnomAD 0.00001; TOPMed 0.00001; ExAC 0.00003; ESP Exome Variant Server 0.00008.
gnomAD v4.1: 28 of 1,613,924 alleles (0.0017%); highest among the groups gnomAD compares: South Asian, 0.0022%; no homozygotes.

Submissions (2):

Mayo Clinic Laboratories, Mayo Clinic
Classification: Uncertain significance. Last evaluated: 2024-07-03. Review status: criteria provided, single submitter. Criteria: ACMG Guidelines, 2015. Collection method: clinical testing. Allele origin: germline. Observed: 1 variant allele.
Comment: BP4

Labcorp Genetics (formerly Invitae), Labcorp
Classification: Uncertain significance. Last evaluated: 2022-04-09. Review status: criteria provided, single submitter. Criteria: Invitae Variant Classification Sherloc (09022015). Collection method: clinical testing. Allele origin: germline.
Comment: In summary, the available evidence is currently insufficient to determine the role of this variant in disease. Therefore, it has been classified as a Variant of Uncertain Significance. Algorithms developed to predict the effect of missense changes on protein structure and function are either unavailable or do not agree on the potential impact of this missense change (SIFT: "Tolerated"; PolyPhen-2: "Probably Damaging"; Align-GVGD: "Class C0"). This variant has not been reported in the literature in individuals affected with MGME1-related conditions. This variant is present in population databases (rs376627318, gnomAD 0.004%). This sequence change replaces lysine, which is basic and polar, with asparagine, which is neutral and polar, at codon 333 of the MGME1 protein (p.Lys333Asn).

NM_052865.4(MGME1):c.999G>T (p.Lys333Asn)

Gene: MGME1 (mitochondrial genome maintenance exonuclease 1; plus strand). Cytogenetic location: 20p11.23.
Variant type: single nucleotide variant.
Coding change: c.999G>T on transcript NM_052865.4 (MANE Select); coding-DNA position 999, G replaced by T.
Protein change: p.Lys333Asn; replaces lysine 333 with asparagine.
Molecular consequence: missense variant. On other transcripts: nonsense (1).
Genome position (GRCh38, 1-based): chr20:17,990,073, G>T. VCF-style: chr20-17990073-G-T. GRCh37 (hg19) VCF-style: chr20-17970716-G-T.
Other names: p.Lys333Asn; c.1044G>T, p.Lys348Asn (NM_001310338.2); c.646G>T, p.Glu216Ter (NM_001310339.2); c.759G>T, p.Lys253Asn (NM_001363738.2); short protein forms K333N, K253N, K348N, E216*.
Identifiers: ClinVar variation 2179404 (VCV002179404.4), dbSNP rs376627318, ClinGen allele CA9775088.
Genomic context (GRCh38, chr20:17,990,073, plus strand): 5'-CTGTTCCCAGTACTGGACCAAGTGGCTTCTTCGACTAGAAGAATATACGGAAAAGAAAAA[G>T]AACCAGAATATTCAGAAACCAGAATATTCAGAATAGGGAGCAAGTTGCTATTTGGGAACA-3'
Protein context (NP_443097.1, residues 323-343): LRLEEYTEKK[Lys333Asn]NQNIQKPEYS